The following is an entry in ClinVar:

NM_001330700.2(TOP2B):c.4490-19A>G

Gene: TOP2B (DNA topoisomerase II beta; minus strand). Cytogenetic location: 3p24.2.
Variant type: single nucleotide variant.
Coding change: c.4490-19A>G on transcript NM_001330700.2 (MANE Select); 19 bases into the intron before coding-DNA position 4490, A replaced by G.
Molecular consequence: intron variant.
Genome position (GRCh38, 1-based): chr3:25,601,244, T>C on the plus strand (A>G on the coding strand, the complement: TOP2B is on the minus strand). VCF-style: chr3-25601244-T-C. GRCh37 (hg19) VCF-style: chr3-25642735-T-C.
Other names: c.4475-19A>G (NM_001068.3).
Identifiers: ClinVar variation 3684381 (VCV003684381.2).

ClinVar aggregate classification (germline): Uncertain significance (1 of 4 stars; one submission).

Submission:

Labcorp Genetics (formerly Invitae), Labcorp
Classification: Uncertain significance. Last evaluated: 2024-08-02. Review status: criteria provided, single submitter. Criteria: Invitae Variant Classification Sherloc (09022015). Collection method: clinical testing. Allele origin: germline.
Comment: This sequence change falls in intron 33 of the TOP2B gene. It does not directly change the encoded amino acid sequence of the TOP2B protein. This variant is not present in population databases (gnomAD no frequency). This variant has not been reported in the literature in individuals affected with TOP2B-related conditions. Algorithms developed to predict the effect of sequence changes on RNA splicing suggest that this variant may disrupt the consensus splice site. In summary, the available evidence is currently insufficient to determine the role of this variant in disease. Therefore, it has been classified as a Variant of Uncertain Significance.